The following is an entry in ClinVar:

NM_000545.8(HNF1A):c.349A>G (p.Lys117Glu)

Gene: HNF1A (HNF1 homeobox A; plus strand). Cytogenetic location: 12q24.31.
Variant type: single nucleotide variant.
Coding change: c.349A>G on transcript NM_000545.8 (MANE Select); coding-DNA position 349, A replaced by G.
Protein change: p.Lys117Glu; replaces lysine 117 with glutamic acid.
Molecular consequence: missense variant.
Genome position (GRCh38, 1-based): chr12:120,988,855, A>G. VCF-style: chr12-120988855-A-G. GRCh37 (hg19) VCF-style: chr12-121426658-A-G.
Other names: NM_001306179.2:c.349A>G; c.349A>G, p.Lys117Glu (NM_001306179.2, NM_001406915.1); short protein forms K117E.
Identifiers: ClinVar variation 3767145 (VCV003767145.1).

ClinVar aggregate classification (germline): Likely pathogenic (3 of 4 stars; one submission).

Conditions:
Monogenic diabetes. Identifiers: Orphanet 183625, MedGen C3888631, MONDO:0015967.

Submission:

ClinGen Monogenic Diabetes Variant Curation Expert Panel
Classification: Likely pathogenic for Monogenic diabetes. Last evaluated: 2025-02-28. Review status: reviewed by expert panel. Criteria: ClinGen Diabetes ACMG Specifications HNF1A V2.1.0. Collection method: curation. Allele origin: germline. Inheritance: Autosomal dominant inheritance.
Comment: The c.349A>G variant in the HNF1 homeobox A gene, HNF1A, causes an amino acid change of lysine to glutamic acid at codon 117 (p.(Lys117Glu)) of NM_000545.8. This variant is located within a conserved region of the DNA binding domain (codons 107-174 and 201-280) of HNF1A, which is defined as critical for the protein’s function by the ClinGen MDEP (PM1_Supporting). This variant is absent from gnomAD v2.1.1 (PM2_Supporting). This variant is predicted to be deleterious by computational evidence, with a REVEL score of 0.886, which is greater than the MDEP VCEP threshold of 0.70 (PP3). This variant segregated with diabetes, with four informative meioses in one family (PP1_Moderate; PMID: 10102714, internal lab contributors). This variant was identified in an individual with a clinical history highly specific for HNF1A-monogenic diabetes (MODY probability calculator result >50%, negative genetic testing for HNF4A, and response to sulphonylureas) (PP4_Moderate; PMID: 10102714, internal lab contributors). In summary, c.349A>G meets the criteria to be classified as likely pathogenic for monogenic diabetes. ACMG/AMP criteria applied, as specified by the ClinGen MDEP (specification version 2.1.0, approved 8/11/2023): PM1_Supporting, PM2_Supporting, PP3, PP1_Moderate, PP4_Moderate.

Literature cited by the submitters: PubMed 10102714.